The following is an entry in ClinVar:

ClinVar aggregate classification (germline): Pathogenic (1 of 4 stars; one submission).

Conditions:
Hereditary cancer-predisposing syndrome. Also called: Neoplastic Syndromes, Hereditary; Hereditary Cancer Syndrome; Tumor predisposition; Hereditary neoplastic syndrome. Identifiers: Orphanet 140162, MedGen C0027672, MeSH D009386, MONDO:0015356.

Submission:

Labcorp Genetics (formerly Invitae), Labcorp
Classification: Pathogenic for Hereditary cancer-predisposing syndrome. Last evaluated: 2018-08-15. Review status: criteria provided, single submitter. Criteria: Invitae Variant Classification Sherloc (09022015). Collection method: clinical testing. Allele origin: germline.
Comment: This variant is an out-of-frame deletion of the genomic region encompassing exon 3 of the RAD50 gene. This is expected to create a premature translational stop signal and result in an absent or disrupted protein product. This variant has not been reported in the literature in individuals with RAD50-related disease. ClinVar contains an entry for this variant (Variation ID:Â¬â€ 417430). Loss-of-function variants in RAD50 are known to be pathogenic (PMID: 16385572, 19409520). For these reasons, this variant has been classified as Pathogenic.

NC_000005.10:g.(?_132575767)_(132575938_?)del

Gene: RAD50 (RAD50 double strand break repair protein; plus strand). Cytogenetic location: 5q31.1.
Variant type: Deletion.
Identifiers: ClinVar variation 583678 (VCV000583678.2).